The following is an entry in ClinVar:

ClinVar aggregate classification (germline): Uncertain significance. Review status: criteria provided, multiple submitters, no conflicts (2 of 4 stars). 2 submissions from 2 submitters: Uncertain significance (2). Last evaluated 2025-06-12.

Conditions:
Inborn genetic diseases. Identifiers: MedGen C0950123, MeSH D030342.
2-aminoadipic 2-oxoadipic aciduria (AAKAD). Also called: ALPHA-AMINOADIPIC AND ALPHA-KETOADIPIC ACIDURIA; Aminoadipic aciduria. Identifiers: Orphanet 79154, MedGen C1859817, MONDO:0008774, OMIM 204750.

Allele frequency attached by ClinVar (database versions not stated): gnomAD 0.00001; TOPMed 0.00002; gnomAD exomes 0.00003; ExAC 0.00009; 1000 Genomes Project 30x 0.00016; 1000 Genomes Project 0.00020.
gnomAD v4.1: 57 of 1,614,118 alleles (0.0035%); highest among the groups gnomAD compares: South Asian, 0.054%; 1 homozygote.

Submissions (2):

Labcorp Genetics (formerly Invitae), Labcorp
Classification: Uncertain significance for 2-aminoadipic 2-oxoadipic aciduria. Last evaluated: 2025-06-12. Review status: criteria provided, single submitter. Criteria: Invitae Variant Classification Sherloc (09022015). Collection method: clinical testing. Allele origin: germline.
Comment: This sequence change replaces phenylalanine, which is neutral and non-polar, with serine, which is neutral and polar, at codon 273 of the DHTKD1 protein (p.Phe273Ser). This variant is present in population databases (rs553049198, gnomAD 0.06%). This variant has not been reported in the literature in individuals affected with DHTKD1-related conditions. ClinVar contains an entry for this variant (Variation ID: 2147314). An algorithm developed to predict the effect of missense changes on protein structure and function (PolyPhen-2) suggests that this variant is likely to be tolerated. In summary, the available evidence is currently insufficient to determine the role of this variant in disease. Therefore, it has been classified as a Variant of Uncertain Significance.

Ambry Genetics
Classification: Uncertain significance for Inborn genetic diseases. Last evaluated: 2021-10-27. Review status: criteria provided, single submitter. Criteria: Ambry Variant Classification Scheme 2023. Collection method: clinical testing. Allele origin: germline.

NM_018706.7(DHTKD1):c.818T>C (p.Phe273Ser)

Gene: DHTKD1 (dehydrogenase E1 and transketolase domain containing 1; plus strand). Cytogenetic location: 10p14.
Variant type: single nucleotide variant.
Coding change: c.818T>C on transcript NM_018706.7 (MANE Select); coding-DNA position 818, T replaced by C.
Protein change: p.Phe273Ser; replaces phenylalanine 273 with serine.
Molecular consequence: missense variant.
Genome position (GRCh38, 1-based): chr10:12,089,086, T>C. VCF-style: chr10-12089086-T-C. GRCh37 (hg19) VCF-style: chr10-12131085-T-C.
Other names: c.818T>C (NM_018706.5); short protein forms F273S.
Identifiers: ClinVar variation 2147314 (VCV002147314.5), dbSNP rs553049198, ClinGen allele CA5407656.
Genomic context (GRCh38, chr10:12,089,086, plus strand): 5'-AGAATTTCTCAGCCACTGGAGACGTCCTGTCTCACCTGACCTCCTCTGTGGACCTGTACT[T>C]TGGGGCGCACCATCCCCTCCATGTGACAATGTTGCCCAATCCCTCGCACCTGGAGGCCGT-3'
Protein context (NP_061176.4, residues 263-283): SHLTSSVDLY[Phe273Ser]GAHHPLHVTM